The following is an entry in ClinVar:

ClinVar aggregate classification (germline): Uncertain significance (1 of 4 stars; one submission).

Conditions:
Autosomal recessive distal spinal muscular atrophy 1. Also called: HMN VI; NEURONOPATHY, SEVERE INFANTILE AXONAL, WITH RESPIRATORY FAILURE; NEURONOPATHY, DISTAL HEREDITARY MOTOR, HARDING TYPE VI; NEUROPATHY, DISTAL HEREDITARY MOTOR, AUTOSOMAL RECESSIVE 1; SEVERE INFANTILE AXONAL NEUROPATHY WITH RESPIRATORY FAILURE; SPINAL MUSCULAR ATROPHY, DIAPHRAGMATIC. Identifiers: Orphanet 98920, MedGen C1858517, MONDO:0011436, OMIM 604320.
Charcot-Marie-Tooth disease axonal type 2S. Also called: CHARCOT-MARIE-TOOTH DISEASE, AXONAL, AUTOSOMAL RECESSIVE, TYPE 2S; CHARCOT-MARIE-TOOTH NEUROPATHY, TYPE 2S. Identifiers: Orphanet 443073, MedGen C4015349, MONDO:0014511, OMIM 616155.

Allele frequency attached by ClinVar (database versions not stated): TOPMed 0.00001.

Submission:

Labcorp Genetics (formerly Invitae), Labcorp
Classification: Uncertain significance for Autosomal recessive distal spinal muscular atrophy 1; Charcot-Marie-Tooth disease axonal type 2S. Last evaluated: 2022-03-01. Review status: criteria provided, single submitter. Criteria: Invitae Variant Classification Sherloc (09022015). Collection method: clinical testing. Allele origin: germline.
Comment: This sequence change replaces arginine, which is basic and polar, with serine, which is neutral and polar, at codon 755 of the IGHMBP2 protein (p.Arg755Ser). This variant is not present in population databases (gnomAD no frequency). This variant has not been reported in the literature in individuals affected with IGHMBP2-related conditions. Algorithms developed to predict the effect of missense changes on protein structure and function are either unavailable or do not agree on the potential impact of this missense change (SIFT: "Deleterious"; PolyPhen-2: "Probably Damaging"; Align-GVGD: "Class C0"). In summary, the available evidence is currently insufficient to determine the role of this variant in disease. Therefore, it has been classified as a Variant of Uncertain Significance.

NM_002180.3(IGHMBP2):c.2265G>T (p.Arg755Ser)

Gene: IGHMBP2 (immunoglobulin mu DNA binding protein 2; plus strand). Cytogenetic location: 11q13.3.
Variant type: single nucleotide variant.
Coding change: c.2265G>T on transcript NM_002180.3 (MANE Select); coding-DNA position 2265, G replaced by T.
Protein change: p.Arg755Ser; replaces arginine 755 with serine.
Molecular consequence: missense variant.
Genome position (GRCh38, 1-based): chr11:68,936,745, G>T. VCF-style: chr11-68936745-G-T. GRCh37 (hg19) VCF-style: chr11-68704213-G-T.
Other names: short protein forms R755S.
Identifiers: ClinVar variation 1920975 (VCV001920975.2), dbSNP rs1446236371, ClinGen allele CA381653169.
Genomic context (GRCh38, chr11:68,936,745, plus strand): 5'-GTTCATGGCCAGCAAGAAGATGCAGTTGGAGTTTCCTCCTTCCCTCAATTCCCACGACAG[G>T]CTGCGGGTCCACCAAATAGCCGAGGAGCACGGGCTGAGGCACGACAGTTCCGGGGAAGGG-3'
Protein context (NP_002171.2, residues 745-765): EFPPSLNSHD[Arg755Ser]LRVHQIAEEH